The following is an entry in ClinVar:

NM_023036.6(DNAI2):c.1211+2_1211+5del

Gene: DNAI2 (dynein axonemal intermediate chain 2; plus strand). Cytogenetic location: 17q25.1.
Variant type: Deletion.
Coding change: c.1211+2_1211+5del on transcript NM_023036.6 (MANE Select); the canonical splice donor site of the intron after coding-DNA position 1211 through 5 bases into the intron after coding-DNA position 1211, 4 bases deleted (TAAG; older notation c.1211+2_1211+5delTAAG).
Molecular consequence: splice donor variant.
Genome position (GRCh38, 1-based): chr17:74,305,444-74,305,447, TAAG deleted; deleting any 4 consecutive bases within chr17:74,305,441-74,305,447 gives the same sequence; the c. name uses the placement nearest the transcript's 3' end. VCF-style (leftmost placement, unchanged base first): chr17-74305440-CAAGT-C. GRCh37 (hg19) VCF-style: chr17-72301579-CAAGT-C.
Other names: c.1211+2_1211+5del (NM_001353167.2, NM_001172810.3).
Identifiers: ClinVar variation 1514375 (VCV001514375.8), dbSNP rs2144077639, ClinGen allele CA2573154813.

ClinVar aggregate classification (germline): Likely pathogenic (1 of 4 stars; one submission).

Conditions:
Primary ciliary dyskinesia. Also called: Ciliary dyskinesia. Identifiers: Orphanet 244, MedGen C0008780, MONDO:0016575, HP:0012265.

Submission:

Labcorp Genetics (formerly Invitae), Labcorp
Classification: Likely pathogenic for Primary ciliary dyskinesia. Last evaluated: 2020-11-11. Review status: criteria provided, single submitter. Criteria: Invitae Variant Classification Sherloc (09022015). Collection method: clinical testing. Allele origin: germline.
Comment: In summary, the currently available evidence indicates that the variant is pathogenic, but additional data are needed to prove that conclusively. Therefore, this variant has been classified as Likely Pathogenic. Algorithms developed to predict the effect of sequence changes on RNA splicing suggest that this variant may disrupt the consensus splice site, but this prediction has not been confirmed by published transcriptional studies. This variant has not been reported in the literature in individuals with DNAI2-related conditions. This variant is not present in population databases (ExAC no frequency). This sequence change affects a donor splice site in intron 9 of the DNAI2 gene. It is expected to disrupt RNA splicing. Variants that disrupt the donor or acceptor splice site typically lead to a loss of protein function (PMID: 16199547), and loss-of-function variants in DNAI2 are known to be pathogenic (PMID: 18950741, 23891469).

Literature cited by the submitters: PubMed 16199547; PubMed 18950741; PubMed 23891469.